The following is an entry in ClinVar:

ClinVar aggregate classification (germline): Uncertain significance (1 of 4 stars; one submission).

Conditions:
Ornithine carbamoyltransferase deficiency (OTCD). Also called: Ornithine Carbamoyltransferase Deficiency Disease; ORNITHINE TRANSCARBAMYLASE DEFICIENCY; ORNITHINE TRANSCARBAMYLASE DEFICIENCY, HYPERAMMONEMIA DUE TO; OTC DEFICIENCY. Identifiers: Orphanet 664, MedGen C0268542, MONDO:0010703, OMIM 311250.

gnomAD v4.1: 1 of 1,201,038 alleles (0.000083%); highest among the groups gnomAD compares: African/African-American, 0.0018%; no homozygotes.

Submission:

All of Us Research Program, National Institutes of Health
Classification: Uncertain significance for Ornithine carbamoyltransferase deficiency. Last evaluated: 2024-09-23. Review status: criteria provided, single submitter. Criteria: ACMG Guidelines, 2015. Collection method: clinical testing. Allele origin: germline. Inheritance: X-linked inheritance. Observed: 1 variant allele, 1 heterozygote.
Comment: This study involves interpretation of variants in research participants for the purpose of population health screening. Participant phenotype was not available at the time of variant classification. Additional details can be found in publication PMID: 35346344, PMCID: PMC8962531

NM_000531.6(OTC):c.208A>G (p.Lys70Glu)

Gene: OTC (ornithine transcarbamylase; plus strand). Cytogenetic location: Xp11.4.
Variant type: single nucleotide variant.
Coding change: c.208A>G on transcript NM_000531.6 (MANE Select); coding-DNA position 208, A replaced by G.
Protein change: p.Lys70Glu; replaces lysine 70 with glutamic acid.
Molecular consequence: missense variant.
Genome position (GRCh38, 1-based): chrX:38,367,421, A>G. VCF-style: chrX-38367421-A-G. GRCh37 (hg19) VCF-style: chrX-38226674-A-G.
Other names: c.208A>G, p.Lys70Glu (NM_001407092.1); short protein forms K70E.
Identifiers: ClinVar variation 3387410 (VCV003387410.1).
Genomic context (GRCh38, chrX:38,367,421, plus strand): 5'-GGAGAAGAAATTAAATATATGCTATGGCTATCAGCAGATCTGAAATTTAGGATAAAACAG[A>G]AAGGAGAGGTATGTAACATTTTCTTTTTACGTTCCATTACTACCAGTCCCCTTTTTTTAA-3'
Protein context (NP_000522.3, residues 60-80): SADLKFRIKQ[Lys70Glu]GEYLPLLQGK